The following is an entry in ClinVar:

NM_198503.5(KCNT2):c.2405A>C (p.Asp802Ala)

Gene: KCNT2 (potassium sodium-activated channel subfamily T member 2; minus strand). Cytogenetic location: 1q31.3.
Variant type: single nucleotide variant.
Coding change: c.2405A>C on transcript NM_198503.5 (MANE Select); coding-DNA position 2405, A replaced by C.
Protein change: p.Asp802Ala; replaces aspartic acid 802 with alanine.
Molecular consequence: missense variant. On other transcripts: non-coding transcript variant (2).
Genome position (GRCh38, 1-based): chr1:196,315,970, T>G on the plus strand (A>C on the coding strand, the complement: KCNT2 is on the minus strand). VCF-style: chr1-196315970-T-G. GRCh37 (hg19) VCF-style: chr1-196285100-T-G.
Other names: c.2333A>C, p.Asp778Ala (NM_001287819.3); c.2183A>C, p.Asp728Ala (NM_001287820.3); short protein forms D728A, D778A, D802A.
Identifiers: ClinVar variation 4056529 (VCV004056529.1).

ClinVar aggregate classification (germline): Uncertain significance (1 of 4 stars; one submission).

Conditions:
Developmental and epileptic encephalopathy, 57. Also called: EPILEPTIC ENCEPHALOPATHY, EARLY INFANTILE, 57. Identifiers: MedGen C4540411, MONDO:0033366, OMIM 617771.

Submission:

Laboratorio de Genetica e Diagnostico Molecular, Hospital Israelita Albert Einstein
Classification: Uncertain significance for Developmental and epileptic encephalopathy, 57. Last evaluated: 2024-06-08. Review status: criteria provided, single submitter. Criteria: ACMG Guidelines, 2015. Collection method: clinical testing. Allele origin: germline. Affected: yes.
Comment: ACMG classification criteria: PM2 supporting